The following is an entry in ClinVar:

NM_017636.4(TRPM4):c.920C>T (p.Ala307Val)

Gene: TRPM4 (transient receptor potential cation channel subfamily M member 4; plus strand). Cytogenetic location: 19q13.33.
Variant type: single nucleotide variant.
Coding change: c.920C>T on transcript NM_017636.4 (MANE Select); coding-DNA position 920, C replaced by T.
Protein change: p.Ala307Val; replaces alanine 307 with valine.
Molecular consequence: missense variant. On other transcripts: 5 prime UTR variant (1).
Genome position (GRCh38, 1-based): chr19:49,171,639, C>T. VCF-style: chr19-49171639-C-T. GRCh37 (hg19) VCF-style: chr19-49674896-C-T.
Other names: c.920C>T, p.Ala307Val (NM_001195227.2); c.575C>T, p.Ala192Val (NM_001321281.2); c.-634C>T (NM_001321282.2); c.398C>T, p.Ala133Val (NM_001321283.2); c.71C>T, p.Ala24Val (NM_001321285.2); c.920C>T (NM_017636.3); short protein forms A192V, A24V, A307V, A133V.
Identifiers: ClinVar variation 1382534 (VCV001382534.10), dbSNP rs778825571, ClinGen allele CA9569017.

ClinVar aggregate classification (germline): Uncertain significance. Review status: criteria provided, multiple submitters, no conflicts (2 of 4 stars). 2 submissions from 2 submitters: Uncertain significance (2). Last evaluated 2025-05-23.

Conditions:
Progressive familial heart block type IB (PFHB1B). Identifiers: Orphanet 871, MedGen C1970298, MONDO:0011474, OMIM 604559.
Cardiovascular phenotype. Identifiers: MedGen CN230736.

Allele frequency attached by ClinVar (database versions not stated): gnomAD exomes below 0.00001 and 0.00001; TOPMed below 0.00001; ExAC 0.00001.
gnomAD v4.1: 6 of 1,613,914 alleles (0.00037%); highest among the groups gnomAD compares: Admixed American, 0.0017%; no homozygotes.

Submissions (2):

Ambry Genetics
Classification: Uncertain significance for Cardiovascular phenotype. Last evaluated: 2025-05-23. Review status: criteria provided, single submitter. Criteria: Ambry Variant Classification Scheme 2023. Collection method: clinical testing. Allele origin: germline.
Comment: The p.A307V variant (also known as c.920C>T), located in coding exon 8 of the TRPM4 gene, results from a C to T substitution at nucleotide position 920. The alanine at codon 307 is replaced by valine, an amino acid with similar properties. This amino acid position is well conserved in available vertebrate species. In addition, this alteration is predicted to be tolerated by in silico analysis. Since supporting evidence is limited at this time, the clinical significance of this alteration remains unclear.

Labcorp Genetics (formerly Invitae), Labcorp
Classification: Uncertain significance for Progressive familial heart block type IB. Last evaluated: 2023-10-13. Review status: criteria provided, single submitter. Criteria: Invitae Variant Classification Sherloc (09022015). Collection method: clinical testing. Allele origin: germline.
Comment: This sequence change replaces alanine, which is neutral and non-polar, with valine, which is neutral and non-polar, at codon 307 of the TRPM4 protein (p.Ala307Val). The frequency data for this variant in the population databases is considered unreliable, as metrics indicate poor data quality at this position in the gnomAD database. This variant has not been reported in the literature in individuals affected with TRPM4-related conditions. ClinVar contains an entry for this variant (Variation ID: 1382534). An algorithm developed to predict the effect of missense changes on protein structure and function (PolyPhen-2) suggests that this variant is likely to be tolerated. In summary, the available evidence is currently insufficient to determine the role of this variant in disease. Therefore, it has been classified as a Variant of Uncertain Significance.